The following is an entry in ClinVar:

NM_000384.3(APOB):c.1331C>T (p.Ala444Val)

Gene: APOB (apolipoprotein B; minus strand). Cytogenetic location: 2p24.1.
Variant type: single nucleotide variant.
Coding change: c.1331C>T on transcript NM_000384.3 (MANE Select); coding-DNA position 1331, C replaced by T.
Protein change: p.Ala444Val; replaces alanine 444 with valine.
Molecular consequence: missense variant.
Genome position (GRCh38, 1-based): chr2:21,032,375, G>A on the plus strand (C>T on the coding strand, the complement: APOB is on the minus strand). VCF-style: chr2-21032375-G-A. GRCh37 (hg19) VCF-style: chr2-21255247-G-A.
Other names: short protein forms A444V.
Identifiers: ClinVar variation 926356 (VCV000926356.12), dbSNP rs769425660, ClinGen allele CA052444.

ClinVar aggregate classification (germline): Conflicting classifications of pathogenicity. Review status: criteria provided, conflicting classifications (1 of 4 stars). 3 submissions from 3 submitters: Uncertain significance (2); Likely benign (1). Last evaluated 2025-12-22.

Conditions:
Familial hypobetalipoproteinemia 1. Also called: Hypobetalipoproteinemia, normotriglyceridemic; Acanthocytosis with hypobetalipoproteinemia; APOB-Related Familial Hypobetalipoproteinemia. Identifiers: MedGen C4551990, MONDO:0014252, OMIM 615558.
Hypercholesterolemia, autosomal dominant, type B (FHCL2). Also called: Familial Hypercholesterolemia Type B; HYPERCHOLESTEROLEMIA, FAMILIAL, DUE TO LIGAND-DEFECTIVE APOLIPOPROTEIN B; Familial hypercholesterolemia 2; APOB-Related Familial Hypercholesterolemia, Autosomal Dominant; APOLIPOPROTEIN B-100, FAMILIAL DEFECTIVE; APOLIPOPROTEIN B-100, FAMILIAL LIGAND-DEFECTIVE. Identifiers: MedGen C1704417, MONDO:0007751, OMIM 144010.

Allele frequency attached by ClinVar (database versions not stated): ExAC 0.00001; gnomAD 0.00001; gnomAD exomes 0.00001; TOPMed 0.00001.
gnomAD v4.1: 15 of 1,613,486 alleles (0.00093%); highest among the groups gnomAD compares: South Asian, 0.0033%; no homozygotes.

Submissions (3):

Labcorp Genetics (formerly Invitae), Labcorp
Classification: Likely benign for Familial hypobetalipoproteinemia 1; Hypercholesterolemia, autosomal dominant, type B. Last evaluated: 2025-12-22. Review status: criteria provided, single submitter. Criteria: Invitae Variant Classification Sherloc (09022015). Collection method: clinical testing. Allele origin: germline.

Greenwood Genetic Center Diagnostic Laboratories, Greenwood Genetic Center
Classification: Uncertain significance. Last evaluated: 2024-08-15. Review status: criteria provided, single submitter. Criteria: ACMG Guidelines, 2015. Collection method: clinical testing. Allele origin: germline. Affected: yes.
Comment: PM2

Fulgent Genetics
Classification: Uncertain significance for Hypercholesterolemia, autosomal dominant, type B; Familial hypobetalipoproteinemia 1. Last evaluated: 2021-08-17. Review status: criteria provided, single submitter. Criteria: ACMG Guidelines, 2015. Collection method: clinical testing. Allele origin: unknown.